The following is an entry in ClinVar:

ClinVar aggregate classification (germline): Uncertain significance. Review status: criteria provided, multiple submitters, no conflicts (2 of 4 stars). 2 submissions from 2 submitters: Uncertain significance (2). Last evaluated 2025-11-02.

Conditions:
Inborn genetic diseases. Identifiers: MedGen C0950123, MeSH D030342.

Submissions (2):

Ambry Genetics
Classification: Uncertain significance for Inborn genetic diseases. Last evaluated: 2025-11-02. Review status: criteria provided, single submitter. Criteria: Ambry Variant Classification Scheme 2023. Collection method: clinical testing. Allele origin: germline.

GeneDx
Classification: Uncertain significance. Last evaluated: 2024-02-21. Review status: criteria provided, single submitter. Criteria: GeneDx Variant Classification Process June 2021. Collection method: clinical testing. Allele origin: germline. Affected: yes.
Comment: Has not been previously published as pathogenic or benign to our knowledge; Not observed at significant frequency in large population cohorts (gnomAD); In silico analysis supports that this missense variant does not alter protein structure/function

NM_001379081.2(FREM1):c.3862A>G (p.Met1288Val)

Gene: FREM1 (FRAS1 related extracellular matrix 1; minus strand). Cytogenetic location: 9p22.3.
Variant type: single nucleotide variant.
Coding change: c.3862A>G on transcript NM_001379081.2 (MANE Select); coding-DNA position 3862, A replaced by G.
Protein change: p.Met1288Val; replaces methionine 1288 with valine.
Molecular consequence: missense variant. On other transcripts: non-coding transcript variant (2).
Genome position (GRCh38, 1-based): chr9:14,792,862, T>C on the plus strand (A>G on the coding strand, the complement: FREM1 is on the minus strand). VCF-style: chr9-14792862-T-C. GRCh37 (hg19) VCF-style: chr9-14792860-T-C.
Other names: c.3862A>G, p.Met1288Val (NM_144966.7); short protein forms M1288V.
Identifiers: ClinVar variation 3369539 (VCV003369539.2).